The following is an entry in ClinVar:

NM_001029896.2(WDR45):c.341+16A>T

Gene: WDR45 (WD repeat domain 45; minus strand). Cytogenetic location: Xp11.23.
Variant type: single nucleotide variant.
Coding change: c.341+16A>T on transcript NM_001029896.2 (MANE Select); 16 bases into the intron after coding-DNA position 341, A replaced by T.
Molecular consequence: intron variant.
Genome position (GRCh38, 1-based): chrX:49,076,629, T>A on the plus strand (A>T on the coding strand, the complement: WDR45 is on the minus strand). VCF-style: chrX-49076629-T-A. GRCh37 (hg19) VCF-style: chrX-48934288-T-A.
Other names: c.344+16A>T (NM_007075.4).
Identifiers: ClinVar variation 514292 (VCV000514292.5), dbSNP rs782631059, ClinGen allele CA10408564.

ClinVar aggregate classification (germline): Conflicting classifications of pathogenicity. Review status: criteria provided, conflicting classifications (1 of 4 stars). 2 submissions from 2 submitters: Uncertain significance (1); Likely benign (1). Last evaluated 2023-10-05.

Conditions:
Neurodegeneration with brain iron accumulation 5 (NBIA5). Also called: Beta-propeller protein-associated neurodegeneration; STATIC ENCEPHALOPATHY OF CHILDHOOD WITH NEURODEGENERATION IN ADULTHOOD. Identifiers: Orphanet 329284, MedGen C3550973, MONDO:0010476, OMIM 300894.

Allele frequency attached by ClinVar (database versions not stated): gnomAD exomes below 0.00001 and 0.00001; ExAC 0.00001; TOPMed 0.00001.
gnomAD v4.1: 1 of 1,207,463 alleles (0.000083%); highest among the groups gnomAD compares: Admixed American, 0.0022%; no homozygotes.

Submissions (2):

Labcorp Genetics (formerly Invitae), Labcorp
Classification: Uncertain significance for Neurodegeneration with brain iron accumulation 5. Last evaluated: 2023-10-05. Review status: criteria provided, single submitter. Criteria: Invitae Variant Classification Sherloc (09022015). Collection method: clinical testing. Allele origin: germline.
Comment: This sequence change falls in intron 6 of the WDR45 gene. It does not directly change the encoded amino acid sequence of the WDR45 protein. This variant is present in population databases (rs782631059, gnomAD 0.004%). This variant has not been reported in the literature in individuals affected with WDR45-related conditions. ClinVar contains an entry for this variant (Variation ID: 514292). Algorithms developed to predict the effect of sequence changes on RNA splicing suggest that this variant may disrupt the consensus splice site. In summary, the available evidence is currently insufficient to determine the role of this variant in disease. Therefore, it has been classified as a Variant of Uncertain Significance.

GeneDx
Classification: Likely benign. Last evaluated: 2018-01-02. Review status: criteria provided, single submitter. Criteria: GeneDx Variant Classification (06012015). Collection method: clinical testing. Allele origin: germline. Affected: yes.
Comment: This variant is considered likely benign or benign based on one or more of the following criteria: it is a conservative change, it occurs at a poorly conserved position in the protein, it is predicted to be benign by multiple in silico algorithms, and/or has population frequency not consistent with disease.